The following is an entry in ClinVar:

ClinVar aggregate classification (germline): Uncertain significance. Review status: criteria provided, multiple submitters, no conflicts (2 of 4 stars). 4 submissions from 4 submitters: Uncertain significance (4). Last evaluated 2026-05-01.

Conditions:
Angelman syndrome (AS). Also called: HAPPY PUPPET SYNDROME. Identifiers: Orphanet 72, MedGen C0162635, MONDO:0007113, OMIM 105830. Disease mechanism: loss of function. Inheritance: AS is caused by disruption of maternally imprinted UBE3A located within the 15q11.2-q13 Angelman syndrome/Prader-Willi syndrome (AS/PWS) region., imprinting disorder.

Allele frequency attached by ClinVar (database versions not stated): gnomAD exomes below 0.00001; TOPMed below 0.00001; gnomAD 0.00001.
gnomAD v4.1: 4 of 1,613,754 alleles (0.00025%); highest among the groups gnomAD compares: Non-Finnish European, 0.00034%; no homozygotes.

Submissions (4):

CeGaT Center for Human Genetics Tuebingen
Classification: Uncertain significance. Last evaluated: 2026-05-01. Review status: criteria provided, single submitter. Criteria: CeGaT Center For Human Genetics Tuebingen Variant Classification Criteria Version 2. Collection method: clinical testing. Allele origin: germline. Affected: yes. Observed: 2 variant alleles.
Comment: UBE3A: PM2:Supporting, PP2, PP3

Labcorp Genetics (formerly Invitae), Labcorp
Classification: Uncertain significance for Angelman syndrome. Last evaluated: 2023-03-29. Review status: criteria provided, single submitter. Criteria: Invitae Variant Classification Sherloc (09022015). Collection method: clinical testing. Allele origin: germline.
Comment: This variant has not been reported in the literature in individuals affected with UBE3A-related conditions. This variant is present in population databases (rs587783148, gnomAD 0.0009%). This sequence change replaces threonine, which is neutral and polar, with methionine, which is neutral and non-polar, at codon 787 of the UBE3A protein (p.Thr787Met). Experimental studies have shown that this missense change affects UBE3A function (PMID: 34815418). In summary, the available evidence is currently insufficient to determine the role of this variant in disease. Therefore, it has been classified as a Variant of Uncertain Significance. Advanced modeling of protein sequence and biophysical properties (such as structural, functional, and spatial information, amino acid conservation, physicochemical variation, residue mobility, and thermodynamic stability) performed at Invitae indicates that this missense variant is expected to disrupt UBE3A protein function. ClinVar contains an entry for this variant (Variation ID: 156679).

Baylor Genetics
Classification: Uncertain significance for Angelman syndrome. Last evaluated: 2019-09-11. Review status: criteria provided, single submitter. Criteria: ACMG Guidelines, 2015. Collection method: clinical testing. Allele origin: de novo. Affected: yes.
Comment: This variant was determined to be of uncertain significance according to ACMG Guidelines, 2015 [PMID:25741868].

GeneDx
Classification: Uncertain significance. Last evaluated: 2014-07-08. Review status: criteria provided, single submitter. Criteria: GeneDx Variant Classification (06012015). Collection method: clinical testing. Allele origin: germline. Affected: yes.
Comment: The T807M variant has not been published as a mutation, nor has it been reported as a benign polymorphism to our knowledge. It was not observed in approximately 6,500 individuals of European and African American ancestry in the NHLBI Exome Sequencing Project, indicating it is not a common benign variant in these populations. This amino acid substitution occurs at a position that is conserved in mammals, but is not conserved in more distantly related species. However, a missense mutation in a nearby residue (I804K) has been reported in association with Angelman syndrome . Additionally, the T807M variant is a non-conservative amino acid substitution, which is likely to impact secondary protein structure as these residues differ in polarity, charge, size and/or other properties and in silico analysis predicts this variant is probably damaging to the protein structure/function. Based on the currently available information, it is unclear whether this variant is a pathogenic mutation or a rare benign variant. The variant is found in EPILEPSY panel(s).

Literature cited by the submitters: PubMed 34815418 (cited by Labcorp Genetics (formerly Invitae), Labcorp).

NM_130839.5(UBE3A):c.2420C>T (p.Thr807Met)

Genes: SNHG14 (small nucleolar RNA host gene 14; plus strand), UBE3A (ubiquitin protein ligase E3A; minus strand). Cytogenetic location: 15q11.2.
Variant type: single nucleotide variant.
Coding change: c.2420C>T on transcript NM_130839.5 (MANE Select); coding-DNA position 2420, C replaced by T.
Protein change: p.Thr807Met; replaces threonine 807 with methionine.
Molecular consequence: missense variant. On other transcripts: non-coding transcript variant (1).
Genome position (GRCh38, 1-based): chr15:25,340,163, G>A on the plus strand (C>T on the coding strand, the complement: UBE3A is on the minus strand). VCF-style: chr15-25340163-G-A. GRCh37 (hg19) VCF-style: chr15-25585310-G-A.
Other names: p.T807M:ACG>ATG; c.2429C>T, p.Thr810Met (NM_000462.5); c.2420C>T, p.Thr807Met (NM_001354505.1, NM_001354538.2); c.2360C>T, p.Thr787Met (NM_001354506.2, NM_001354507.2, NM_001354508.2 and 14 more transcripts); c.2264C>T, p.Thr755Met (NM_001354545.2); c.2243C>T, p.Thr748Met (NM_001354546.2); c.2204C>T, p.Thr735Met (NM_001354547.2, NM_001354548.2); c.2195C>T, p.Thr732Met (NM_001354549.2); and 2 more; short protein forms T787M, T807M, T755M, T810M, T370M, T748M, T390M, T735M.
Identifiers: ClinVar variation 156679 (VCV000156679.14), dbSNP rs587783148, ClinGen allele CA294742.
Genomic context (GRCh38, chr15:25,340,163, plus strand): 5'-TTTTTGGCTATAATCATCTTTAATTTTCCTAGTCCTCCCACAGGTGCTCTGTCTGTGCCC[G>A]TTGTAAACTGCAAGAAGAGTCTTTTCTGTTCATCTGTAAATGAATGAACGATTTCCCAGA-3'
Protein context (NP_570854.1, residues 797-817): EQKRLFLQFT[Thr807Met]GTDRAPVGGL